The following is an entry in ClinVar:

ClinVar aggregate classification (germline): Benign. Review status: reviewed by expert panel (3 of 4 stars). 5 submissions from 5 submitters: Benign (1). 4 of the submissions do not count toward it. Last evaluated 2025-10-28.

Conditions:
Inborn genetic diseases. Identifiers: MedGen C0950123, MeSH D030342.
Angelman syndrome (AS). Also called: HAPPY PUPPET SYNDROME. Identifiers: Orphanet 72, MedGen C0162635, MONDO:0007113, OMIM 105830. Disease mechanism: loss of function. Inheritance: AS is caused by disruption of maternally imprinted UBE3A located within the 15q11.2-q13 Angelman syndrome/Prader-Willi syndrome (AS/PWS) region., imprinting disorder.

Allele frequency attached by ClinVar (database versions not stated): gnomAD exomes 0.00001; gnomAD 0.00003 and 0.00004; TOPMed 0.00003; ESP Exome Variant Server 0.00008.
gnomAD v4.1: 14 of 1,613,996 alleles (0.00087%); highest among the groups gnomAD compares: African/African-American, 0.008%; no homozygotes.

Submissions (5):

ClinGen Rett and Angelman-like Disorders Variant Curation Expert Panel
Classification: Benign for Angelman syndrome. Last evaluated: 2025-10-28. Review status: reviewed by expert panel. Criteria: ClinGen RettAS ACMG Specifications UBE3A V6.0.0. Collection method: curation. Allele origin: germline. Inheritance: Autosomal dominant inheritance.
Comment: The highest population minor allele frequency of the p.Asn390Ser variant in UBE3A in gnomAD v4.1.0 is 0.00008009 in African/African-American population, which is higher than the ClinGen Rett and Angelman-like Disorders VCEP threshold (≥0.0000083) for BS1, and therefore meets this criterion (BS1). The p.Asn390Ser variant is observed in at least 4 unaffected individuals (internal database - Ambry; internal database - LabCorp (formerly Invitae)) (BS2). The computational predictor REVEL gives a score of 0.231, (which is below the threshold of 0.290), evidence that does not predict a damaging effect on UBE3A function (BP4). A luciferase based beta-catenin activity reporter (BAR) assay showed a weak loss-of-function effect, whereas the majority of known likely pathogenic or pathogenic variants demonstrated a strong loss-of-function effect (PMID: 34815418). The BAR assay is not an approved functional assay for UBE3A (PS3 not met). In summary, the p.Asn390Ser variant in UBE3A is classified as Benign based on the ACMG/AMP criteria (BS1, BS2, BP4). (UBE3A Specifications v6.0; curation approved on 10/28/2025)

Labcorp Genetics (formerly Invitae), Labcorp
Classification: Uncertain significance for Angelman syndrome. Last evaluated: 2025-10-01. Review status: criteria provided, single submitter. Criteria: Invitae Variant Classification Sherloc (09022015). Collection method: clinical testing. Allele origin: germline. Not counted in ClinVar's aggregate classification.
Comment: This sequence change replaces asparagine, which is neutral and polar, with serine, which is neutral and polar, at codon 370 of the UBE3A protein (p.Asn370Ser). This variant is present in population databases (rs147446244, gnomAD 0.004%). This variant has not been reported in the literature in individuals affected with UBE3A-related conditions. ClinVar contains an entry for this variant (Variation ID: 437194). Invitae Evidence Modeling of protein sequence and biophysical properties (such as structural, functional, and spatial information, amino acid conservation, physicochemical variation, residue mobility, and thermodynamic stability) has been performed for this missense variant. However, the output from this modeling did not meet the statistical confidence thresholds required to predict the impact of this variant on UBE3A protein function. In summary, the available evidence is currently insufficient to determine the role of this variant in disease. Therefore, it has been classified as a Variant of Uncertain Significance.

Ambry Genetics
Classification: Uncertain significance for Inborn genetic diseases. Last evaluated: 2024-10-08. Review status: criteria provided, single submitter. Criteria: Ambry Variant Classification Scheme 2023. Collection method: clinical testing. Allele origin: germline. Not counted in ClinVar's aggregate classification.

Laboratorio de Genetica e Diagnostico Molecular, Hospital Israelita Albert Einstein
Classification: Uncertain significance. Last evaluated: 2020-04-07. Review status: criteria provided, single submitter. Criteria: ACMG Guidelines, 2015. Collection method: clinical testing. Allele origin: germline. Affected: yes. Not counted in ClinVar's aggregate classification.
Comment: ACMG classification criteria: PM2, BP4

Genetic Services Laboratory, University of Chicago
Classification: Uncertain significance. Last evaluated: 2015-10-20. Review status: criteria provided, single submitter. Criteria: ACMG Guidelines, 2015. Collection method: clinical testing. Allele origin: germline. Affected: no. Not counted in ClinVar's aggregate classification.

NM_130839.5(UBE3A):c.1169A>G (p.Asn390Ser)

Genes: SNHG14 (small nucleolar RNA host gene 14; plus strand), UBE3A (ubiquitin protein ligase E3A; minus strand). Cytogenetic location: 15q11.2.
Variant type: single nucleotide variant.
Coding change: c.1169A>G on transcript NM_130839.5 (MANE Select); coding-DNA position 1169, A replaced by G.
Protein change: p.Asn390Ser; replaces asparagine 390 with serine.
Molecular consequence: missense variant. On other transcripts: non-coding transcript variant (1), intron variant (2).
Genome position (GRCh38, 1-based): chr15:25,371,005, T>C on the plus strand (A>G on the coding strand, the complement: UBE3A is on the minus strand). VCF-style: chr15-25371005-T-C. GRCh37 (hg19) VCF-style: chr15-25616152-T-C.
Other names: NM_130839.5(UBE3A):c.1169A>G; p.Asn390Ser; c.1178A>G, p.Asn393Ser (NM_000462.5); c.1169A>G, p.Asn390Ser (NM_001354505.1, NM_001354538.2, NM_001354545.2); c.1109A>G, p.Asn370Ser (NM_001354506.2, NM_001354507.2, NM_001354508.2 and 17 more transcripts); c.992A>G, p.Asn331Ser (NM_001354546.2); c.301+4460A>G (NM_001354551.2); c.361+4460A>G (NM_001354550.2); short protein forms N370S, N331S, N390S, N393S.
Identifiers: ClinVar variation 437194 (VCV000437194.17), dbSNP rs147446244, ClinGen allele CA267785490.
Genomic context (GRCh38, chr15:25,371,005, plus strand): 5'-AAAAGTTCCTGAAGTGTCAGCTCGCTGGACTCAGGGATGGGCTCTTCATCATCTTCTTCA[T>C]TGTGATTTGTGTCCACTTCCCCTCCCACTACATTTGCATAGTAAACCATTTTCAAGCACT-3'
Protein context (NP_570854.1, residues 380-400): VVGGEVDTNH[Asn390Ser]EEDDEEPIPE